The following is an entry in ClinVar:

NM_006393.3(NEBL):c.241G>T (p.Gly81Cys)

Gene: NEBL (nebulette; minus strand). Cytogenetic location: 10p12.31.
Variant type: single nucleotide variant.
Coding change: c.241G>T on transcript NM_006393.3 (MANE Select); coding-DNA position 241, G replaced by T.
Protein change: p.Gly81Cys; replaces glycine 81 with cysteine.
Molecular consequence: missense variant. On other transcripts: intron variant (9).
Genome position (GRCh38, 1-based): chr10:20,889,862, C>A on the plus strand (G>T on the coding strand, the complement: NEBL is on the minus strand). VCF-style: chr10-20889862-C-A. GRCh37 (hg19) VCF-style: chr10-21178791-C-A.
Other names: c.249+71810G>T (NM_001377326.1, NM_001377327.1, NM_001377328.1); c.357+71810G>T (NM_213569.2, NM_001173484.2, NM_001377322.1); c.300+71810G>T (NM_001377324.1); c.291+71810G>T (NM_001377325.1); c.309+71810G>T (NM_001377323.1); short protein forms G81C.
Identifiers: ClinVar variation 1016111 (VCV001016111.11), dbSNP rs369862013, ClinGen allele CA376096394.

ClinVar aggregate classification (germline): Uncertain significance (1 of 4 stars; one submission).

Conditions:
Primary dilated cardiomyopathy (DCM). Also called: Dilated Cardiomyopathy. Identifiers: Orphanet 217604, MedGen C0007193, MeSH D002311, MONDO:0005021, HP:0001644. Inheritance: Various modes of inheritance.

gnomAD v4.1: 7 of 1,610,266 alleles (0.00043%); highest among the groups gnomAD compares: South Asian, 0.0066%; no homozygotes.

Submission:

Labcorp Genetics (formerly Invitae), Labcorp
Classification: Uncertain significance for Primary dilated cardiomyopathy. Last evaluated: 2020-03-14. Review status: criteria provided, single submitter. Criteria: Invitae Variant Classification Sherloc (09022015). Collection method: clinical testing. Allele origin: germline.
Comment: In summary, the available evidence is currently insufficient to determine the role of this variant in disease. Therefore, it has been classified as a Variant of Uncertain Significance. Algorithms developed to predict the effect of missense changes on protein structure and function are either unavailable or do not agree on the potential impact of this missense change (SIFT: "Deleterious"; PolyPhen-2: "Possibly Damaging"; Align-GVGD: "Class C15"). This variant has not been reported in the literature in individuals with NEBL-related conditions. This variant is not present in population databases (ExAC no frequency). This sequence change replaces glycine with cysteine at codon 81 of the NEBL protein (p.Gly81Cys). The glycine residue is moderately conserved and there is a large physicochemical difference between glycine and cysteine.